The following is an entry in ClinVar:

NM_000179.3(MSH6):c.371G>T (p.Gly124Val)

Gene: MSH6 (mutS homolog 6; plus strand). Cytogenetic location: 2p16.3.
Variant type: single nucleotide variant.
Coding change: c.371G>T on transcript NM_000179.3 (MANE Select); coding-DNA position 371, G replaced by T.
Protein change: p.Gly124Val; replaces glycine 124 with valine.
Molecular consequence: missense variant. On other transcripts: 5 prime UTR variant (2), intron variant (1).
Genome position (GRCh38, 1-based): chr2:47,791,037, G>T. VCF-style: chr2-47791037-G-T. GRCh37 (hg19) VCF-style: chr2-48018176-G-T.
Other names: c.-366G>T (NM_001281493.2); c.-532G>T (NM_001281494.2); c.237+7567G>T (NM_001281492.2); short protein forms G124V.
Identifiers: ClinVar variation 525600 (VCV000525600.9), dbSNP rs1553410286, ClinGen allele CA346737030.

ClinVar aggregate classification (germline): Uncertain significance (1 of 4 stars; one submission).

Conditions:
Hereditary nonpolyposis colorectal neoplasms. Identifiers: MedGen C0009405, MeSH D003123.

Submission:

Labcorp Genetics (formerly Invitae), Labcorp
Classification: Uncertain significance for Hereditary nonpolyposis colorectal neoplasms. Last evaluated: 2017-11-16. Review status: criteria provided, single submitter. Criteria: Invitae Variant Classification Sherloc (09022015). Collection method: clinical testing. Allele origin: germline.
Comment: In summary, the available evidence is currently insufficient to determine the role of this variant in disease. Therefore, it has been classified as a Variant of Uncertain Significance. Algorithms developed to predict the effect of missense changes on protein structure and function do not agree on the potential impact of this missense change (SIFT: "Deleterious"; PolyPhen-2: "Probably Damaging"; Align-GVGD: "Class C0"). This variant has not been reported in the literature in individuals with MSH6-related disease. This variant is not present in population databases (ExAC no frequency). This sequence change replaces glycine with valine at codon 124 of the MSH6 protein (p.Gly124Val). The glycine residue is moderately conserved and there is a moderate physicochemical difference between glycine and valine.